The following is an entry in ClinVar:

ClinVar aggregate classification (germline): Uncertain significance (1 of 4 stars; one submission).

gnomAD v4.1: 2 of 1,614,196 alleles (0.00012%); highest among the groups gnomAD compares: Non-Finnish European, 0.00017%; no homozygotes.

Submission:

CeGaT Center for Human Genetics Tuebingen
Classification: Uncertain significance. Last evaluated: 2025-02-01. Review status: criteria provided, single submitter. Criteria: CeGaT Center For Human Genetics Tuebingen Variant Classification Criteria Version 2. Collection method: clinical testing. Allele origin: germline. Affected: yes. Observed: 1 variant allele.
Comment: MTHFD1: PM2, BP4

NM_005956.4(MTHFD1):c.838G>A (p.Val280Ile)

Gene: MTHFD1 (methylenetetrahydrofolate dehydrogenase, cyclohydrolase and formyltetrahydrofolate synthetase 1; plus strand). Cytogenetic location: 14q23.3.
Variant type: single nucleotide variant.
Coding change: c.838G>A on transcript NM_005956.4 (MANE Select); coding-DNA position 838, G replaced by A.
Protein change: p.Val280Ile; replaces valine 280 with isoleucine.
Molecular consequence: missense variant.
Genome position (GRCh38, 1-based): chr14:64,424,914, G>A. VCF-style: chr14-64424914-G-A. GRCh37 (hg19) VCF-style: chr14-64891632-G-A.
Other names: c.838G>A, p.Val280Ile (NM_001364837.1); short protein forms V280I.
Identifiers: ClinVar variation 3771543 (VCV003771543.13).